The following is an entry in ClinVar:

NM_001271938.2(MEGF8):c.3412G>A (p.Asp1138Asn)

Gene: MEGF8 (multiple EGF like domains 8; plus strand). Cytogenetic location: 19q13.2.
Variant type: single nucleotide variant.
Coding change: c.3412G>A on transcript NM_001271938.2 (MANE Select); coding-DNA position 3412, G replaced by A.
Protein change: p.Asp1138Asn; replaces aspartic acid 1138 with asparagine.
Molecular consequence: missense variant.
Genome position (GRCh38, 1-based): chr19:42,352,989, G>A. VCF-style: chr19-42352989-G-A. GRCh37 (hg19) VCF-style: chr19-42857141-G-A.
Other names: c.3211G>A, p.Asp1071Asn (NM_001410.3); short protein forms D1138N, D1071N.
Identifiers: ClinVar variation 2342622 (VCV002342622.5), dbSNP rs374300363, ClinGen allele CA9474991.
Genomic context (GRCh38, chr19:42,352,989, plus strand): 5'-TGCTTGGAGGACTGTGGCCATGGTGTGTGCAGTGGCCCCCCGGACTTTACCTGCGTGTGT[G>A]ACCTAGGCTGGACATCAGACCTGCCCCCTCCCACACCCGCCCCGGGTCCGCCAGCCCCCC-3'
Protein context (NP_001258867.1, residues 1128-1148): SGPPDFTCVC[Asp1138Asn]LGWTSDLPPP

ClinVar aggregate classification (germline): Uncertain significance. Review status: criteria provided, multiple submitters, no conflicts (2 of 4 stars). 2 submissions from 2 submitters: Uncertain significance (2). Last evaluated 2025-03-25.

Conditions:
Inborn genetic diseases. Identifiers: MedGen C0950123, MeSH D030342.
MEGF8-related Carpenter syndrome. Also called: Carpenter syndrome 2. Identifiers: Orphanet 65759, MedGen C3554247, MONDO:0013998, OMIM 614976.

Allele frequency attached by ClinVar (database versions not stated): gnomAD 0.00002; TOPMed 0.00002; gnomAD exomes 0.00004; ESP Exome Variant Server 0.00008.
gnomAD v4.1: 62 of 1,595,446 alleles (0.0039%); highest among the groups gnomAD compares: African/African-American, 0.0054%; no homozygotes.

Submissions (2):

Ambry Genetics
Classification: Uncertain significance for Inborn genetic diseases. Last evaluated: 2025-03-25. Review status: criteria provided, single submitter. Criteria: Ambry Variant Classification Scheme 2023. Collection method: clinical testing. Allele origin: germline.

Labcorp Genetics (formerly Invitae), Labcorp
Classification: Uncertain significance for MEGF8-related Carpenter syndrome. Last evaluated: 2024-02-14. Review status: criteria provided, single submitter. Criteria: Invitae Variant Classification Sherloc (09022015). Collection method: clinical testing. Allele origin: germline.
Comment: This sequence change replaces aspartic acid, which is acidic and polar, with asparagine, which is neutral and polar, at codon 1071 of the MEGF8 protein (p.Asp1071Asn). The frequency data for this variant in the population databases is considered unreliable, as metrics indicate poor data quality at this position in the gnomAD database. This variant has not been reported in the literature in individuals affected with MEGF8-related conditions. ClinVar contains an entry for this variant (Variation ID: 2342622). An algorithm developed to predict the effect of missense changes on protein structure and function (PolyPhen-2) suggests that this variant is likely to be tolerated. In summary, the available evidence is currently insufficient to determine the role of this variant in disease. Therefore, it has been classified as a Variant of Uncertain Significance.